The following is an entry in ClinVar:

NM_016648.4(LARP7):c.328C>T (p.Arg110Trp)

Gene: LARP7 (La ribonucleoprotein 7, transcriptional regulator; plus strand). Cytogenetic location: 4q25.
Variant type: single nucleotide variant.
Coding change: c.328C>T on transcript NM_016648.4 (MANE Select); coding-DNA position 328, C replaced by T.
Protein change: p.Arg110Trp; replaces arginine 110 with tryptophan.
Molecular consequence: missense variant.
Genome position (GRCh38, 1-based): chr4:112,646,612, C>T. VCF-style: chr4-112646612-C-T. GRCh37 (hg19) VCF-style: chr4-113567768-C-T.
Other names: c.328C>T, p.Arg110Trp (NM_001267039.4, NM_001370974.1, NM_001370975.1 and 6 more transcripts); c.91C>T, p.Arg31Trp (NM_001370981.1, NM_001370982.1); short protein forms R110W, R31W.
Identifiers: ClinVar variation 422202 (VCV000422202.3), dbSNP rs1064795626, ClinGen allele CA16618023.
Genomic context (GRCh38, chr4:112,646,612, plus strand): 5'-ATATTAGTTTTATTAATGTAATATACTATTTTAAAGCTTGATTTGGAAGGCACCAGAATC[C>T]GGAGGAAAAAACCTCTGGGGGAAAGACCAAAGGATGAGGATGAACGCACAGTGTATGTGG-3'
Protein context (NP_057732.2, residues 100-120): VELDLEGTRI[Arg110Trp]RKKPLGERPK

ClinVar aggregate classification (germline): Likely pathogenic (1 of 4 stars; one submission).

Submission:

GeneDx
Classification: Likely pathogenic. Last evaluated: 2017-02-16. Review status: criteria provided, single submitter. Criteria: GeneDx Variant Classification (06012015). Collection method: clinical testing. Allele origin: germline. Affected: yes.
Comment: The R110W variant in the LARP7 gene has not been reported previously as a pathogenic variant, nor as a benign variant, to our knowledge. The R110W variant was not observed in approximately 5700 individuals of European and African American ancestry in the NHLBI Exome Sequencing Project, indicating it is not a common benign variant in these populations. The R110W variant is a non-conservative amino acid substitution, which is likely to impact secondary protein structure as these residues differ in polarity, charge, size and/or other properties. This substitution occurs at a position that is conserved across species and in silico analysis predicts this variant is probably damaging to the protein structure/function. We interpret R110W as a likely pathogenic variant.